The following is an entry in ClinVar:

ClinVar aggregate classification (germline): Uncertain significance (1 of 4 stars; one submission).

Conditions:
Long QT syndrome (LQTS). Identifiers: MedGen C0023976, MeSH D008133, MONDO:0002442. Disease mechanism: loss of function. Inheritance: Various modes of inheritance.

Allele frequency attached by ClinVar (database versions not stated): gnomAD exomes below 0.00001.
gnomAD v4.1: 1 of 1,489,642 alleles (0.000067%); highest among the groups gnomAD compares: Non-Finnish European, 0.000089%; no homozygotes.

Submission:

Labcorp Genetics (formerly Invitae), Labcorp
Classification: Uncertain significance for Long QT syndrome. Last evaluated: 2020-08-29. Review status: criteria provided, single submitter. Criteria: Invitae Variant Classification Sherloc (09022015). Collection method: clinical testing. Allele origin: germline.
Comment: This variant has not been reported in the literature in individuals with KCNH2-related disease. In summary, the available evidence is currently insufficient to determine the role of this variant in disease. Therefore, it has been classified as a Variant of Uncertain Significance. Algorithms developed to predict the effect of missense changes on protein structure and function (SIFT, PolyPhen-2, Align-GVGD) all suggest that this variant is likely to be tolerated, but these predictions have not been confirmed by published functional studies and their clinical significance is uncertain. While this variant is not present in population databases, the frequency information is unreliable, as metrics indicate poor data quality at this position in the ExAC database. This sequence change replaces threonine with isoleucine at codon 216 of the KCNH2 protein (p.Thr216Ile). The threonine residue is weakly conserved and there is a moderate physicochemical difference between threonine and isoleucine.

NM_000238.4(KCNH2):c.647C>T (p.Thr216Ile)

Gene: KCNH2 (potassium voltage-gated channel subfamily H member 2; minus strand). Cytogenetic location: 7q36.1.
Variant type: single nucleotide variant.
Coding change: c.647C>T on transcript NM_000238.4 (MANE Select); coding-DNA position 647, C replaced by T.
Protein change: p.Thr216Ile; replaces threonine 216 with isoleucine.
Molecular consequence: missense variant.
Genome position (GRCh38, 1-based): chr7:150,958,328, G>A on the plus strand (C>T on the coding strand, the complement: KCNH2 is on the minus strand). VCF-style: chr7-150958328-G-A. GRCh37 (hg19) VCF-style: chr7-150655416-G-A.
Other names: c.359C>T, p.Thr120Ile (NM_001406753.1, NM_001406756.1); c.470C>T, p.Thr157Ile (NM_001406755.1); c.347C>T, p.Thr116Ile (NM_001406757.1); c.647C>T, p.Thr216Ile (NM_172056.3); short protein forms T216I, T157I, T120I, T116I.
Identifiers: ClinVar variation 582107 (VCV000582107.10), dbSNP rs1563170569, ClinGen allele CA369862979.